The following is an entry in ClinVar:

ClinVar aggregate classification (germline): Uncertain significance (1 of 4 stars; one submission).

gnomAD v4.1: 18 of 1,614,054 alleles (0.0011%); highest among the groups gnomAD compares: Non-Finnish European, 0.00017%; no homozygotes.

Submission:

Labcorp Genetics (formerly Invitae), Labcorp
Classification: Uncertain significance. Last evaluated: 2024-08-29. Review status: criteria provided, single submitter. Criteria: Invitae Variant Classification Sherloc (09022015). Collection method: clinical testing. Allele origin: germline.
Comment: This sequence change replaces proline, which is neutral and non-polar, with leucine, which is neutral and non-polar, at codon 883 of the DLC1 protein (p.Pro883Leu). This variant is present in population databases (rs752273862, gnomAD 0.05%). This variant has not been reported in the literature in individuals affected with DLC1-related conditions. An algorithm developed to predict the effect of missense changes on protein structure and function (PolyPhen-2) suggests that this variant is likely to be disruptive. In summary, the available evidence is currently insufficient to determine the role of this variant in disease. Therefore, it has been classified as a Variant of Uncertain Significance.

NM_182643.3(DLC1):c.2648C>T (p.Pro883Leu)

Gene: DLC1 (DLC1 Rho GTPase activating protein; minus strand). Cytogenetic location: 8p22.
Variant type: single nucleotide variant.
Coding change: c.2648C>T on transcript NM_182643.3 (MANE Select); coding-DNA position 2648, C replaced by T.
Protein change: p.Pro883Leu; replaces proline 883 with leucine.
Molecular consequence: missense variant.
Genome position (GRCh38, 1-based): chr8:13,099,689, G>A on the plus strand (C>T on the coding strand, the complement: DLC1 is on the minus strand). VCF-style: chr8-13099689-G-A. GRCh37 (hg19) VCF-style: chr8-12957198-G-A.
Other names: c.1115C>T, p.Pro372Leu (NM_001164271.2, NM_001348082.2, NM_001348083.1 and 6 more transcripts); c.1439C>T, p.Pro480Leu (NM_001316668.2, NM_001413129.1); c.2648C>T, p.Pro883Leu (NM_001348081.2, NM_001413124.1); c.1430C>T, p.Pro477Leu (NM_001413130.1); c.1088C>T, p.Pro363Leu (NM_001413131.1, NM_001413137.1); c.1574C>T, p.Pro525Leu (NM_001413132.1); c.1337C>T, p.Pro446Leu (NM_001413135.1, NM_001413136.1, NM_001413139.1 and 1 more transcripts); c.1472C>T, p.Pro491Leu (NM_001413140.1); short protein forms P363L, P372L, P446L, P477L, P480L, P491L, P525L, P883L.
Identifiers: ClinVar variation 3626477 (VCV003626477.2).